The following is an entry in ClinVar:

ClinVar aggregate classification (germline): Conflicting classifications of pathogenicity. Review status: criteria provided, conflicting classifications (1 of 4 stars). 2 submissions from 2 submitters: Uncertain significance (1); Likely benign (1). Last evaluated 2024-11-08.

Conditions:
Inborn genetic diseases. Identifiers: MedGen C0950123, MeSH D030342.

Allele frequency attached by ClinVar (database versions not stated): gnomAD exomes 0.00004; TOPMed 0.00006; ExAC 0.00007; gnomAD 0.00007; 1000 Genomes Project 30x 0.00016; 1000 Genomes Project 0.00020; ESP Exome Variant Server 0.00023.
gnomAD v4.1: 79 of 1,613,794 alleles (0.0049%); highest among the groups gnomAD compares: South Asian, 0.019%; no homozygotes.

Submissions (2):

Ambry Genetics
Classification: Likely benign for Inborn genetic diseases. Last evaluated: 2024-11-08. Review status: criteria provided, single submitter. Criteria: Ambry Variant Classification Scheme 2023. Collection method: clinical testing. Allele origin: germline.

Labcorp Genetics (formerly Invitae), Labcorp
Classification: Uncertain significance. Last evaluated: 2022-06-25. Review status: criteria provided, single submitter. Criteria: Invitae Variant Classification Sherloc (09022015). Collection method: clinical testing. Allele origin: germline.
Comment: This sequence change replaces arginine, which is basic and polar, with glutamine, which is neutral and polar, at codon 441 of the COL27A1 protein (p.Arg441Gln). This variant is present in population databases (rs142603479, gnomAD 0.02%). This variant has not been reported in the literature in individuals affected with COL27A1-related conditions. Advanced modeling of protein sequence and biophysical properties (such as structural, functional, and spatial information, amino acid conservation, physicochemical variation, residue mobility, and thermodynamic stability) performed at Invitae indicates that this missense variant is not expected to disrupt COL27A1 protein function. In summary, the available evidence is currently insufficient to determine the role of this variant in disease. Therefore, it has been classified as a Variant of Uncertain Significance.

NM_032888.4(COL27A1):c.1322G>A (p.Arg441Gln)

Gene: COL27A1 (collagen type XXVII alpha 1 chain; plus strand). Cytogenetic location: 9q32.
Variant type: single nucleotide variant.
Coding change: c.1322G>A on transcript NM_032888.4 (MANE Select); coding-DNA position 1322, G replaced by A.
Protein change: p.Arg441Gln; replaces arginine 441 with glutamine.
Molecular consequence: missense variant.
Genome position (GRCh38, 1-based): chr9:114,168,877, G>A. VCF-style: chr9-114168877-G-A. GRCh37 (hg19) VCF-style: chr9-116931157-G-A.
Other names: c.1322G>A (NM_032888.2); short protein forms R441Q.
Identifiers: ClinVar variation 2144808 (VCV002144808.2), dbSNP rs142603479, ClinGen allele CA5201357.